The following is an entry in ClinVar:

NM_025137.4(SPG11):c.5959G>C (p.Gly1987Arg)

Gene: SPG11 (SPG11 vesicle trafficking associated, spatacsin; minus strand). Cytogenetic location: 15q21.1.
Variant type: single nucleotide variant.
Coding change: c.5959G>C on transcript NM_025137.4 (MANE Select); coding-DNA position 5959, G replaced by C.
Protein change: p.Gly1987Arg; replaces glycine 1987 with arginine.
Molecular consequence: missense variant. On other transcripts: intron variant (1).
Genome position (GRCh38, 1-based): chr15:44,574,949, C>G on the plus strand (G>C on the coding strand, the complement: SPG11 is on the minus strand). VCF-style: chr15-44574949-C-G. GRCh37 (hg19) VCF-style: chr15-44867147-C-G.
Other names: c.5867-2129G>C (NM_001160227.2); short protein forms G1987R.
Identifiers: ClinVar variation 1483475 (VCV001483475.8), dbSNP rs2140931439, ClinGen allele CA392218737.

ClinVar aggregate classification (germline): Uncertain significance (1 of 4 stars; one submission).

Conditions:
Hereditary spastic paraplegia 11. Also called: Autosomal recessive hereditary spastic paraplegia, mental impairment, and thin corpus callosum; SPASTIC PARAPLEGIA, AUTOSOMAL RECESSIVE, COMPLICATED, WITH THIN CORPUS CALLOSUM; SPASTIC PARAPLEGIA, AUTOSOMAL RECESSIVE, WITH MENTAL IMPAIRMENT AND THIN CORPUS CALLOSUM; Spastic paraplegia, mental retardation and thin corpus callosum; Spastic Paraplegia 11; Nakamura Osame syndrome. Identifiers: Orphanet 2822, MedGen C1858479, MONDO:0011445, OMIM 604360.

Submission:

Labcorp Genetics (formerly Invitae), Labcorp
Classification: Uncertain significance for Hereditary spastic paraplegia 11. Last evaluated: 2025-04-28. Review status: criteria provided, single submitter. Criteria: Invitae Variant Classification Sherloc (09022015). Collection method: clinical testing. Allele origin: germline.
Comment: This sequence change replaces glycine, which is neutral and non-polar, with arginine, which is basic and polar, at codon 1987 of the SPG11 protein (p.Gly1987Arg). This variant is not present in population databases (gnomAD no frequency). This variant has not been reported in the literature in individuals affected with SPG11-related conditions. ClinVar contains an entry for this variant (Variation ID: 1483475). Invitae Evidence Modeling of protein sequence and biophysical properties (such as structural, functional, and spatial information, amino acid conservation, physicochemical variation, residue mobility, and thermodynamic stability) indicates that this missense variant is expected to disrupt SPG11 protein function with a positive predictive value of 80%. In summary, the available evidence is currently insufficient to determine the role of this variant in disease. Therefore, it has been classified as a Variant of Uncertain Significance.